The following is an entry in ClinVar:

NM_004082.5(DCTN1):c.443G>A (p.Arg148Gln)

Gene: DCTN1 (dynactin subunit 1; minus strand). Cytogenetic location: 2p13.1.
Variant type: single nucleotide variant.
Coding change: c.443G>A on transcript NM_004082.5 (MANE Select); coding-DNA position 443, G replaced by A.
Protein change: p.Arg148Gln; replaces arginine 148 with glutamine.
Molecular consequence: missense variant. On other transcripts: intron variant (2).
Genome position (GRCh38, 1-based): chr2:74,372,938, C>T on the plus strand (G>A on the coding strand, the complement: DCTN1 is on the minus strand). VCF-style: chr2-74372938-C-T. GRCh37 (hg19) VCF-style: chr2-74600065-C-T.
Other names: c.41G>A, p.Arg14Gln (NM_001135041.3, NM_023019.4); c.422G>A, p.Arg141Gln (NM_001190837.2); c.392G>A, p.Arg131Gln (NM_001378991.1); c.374G>A, p.Arg125Gln (NM_001378992.1); c.343-1210G>A (NM_001190836.2); c.394-1210G>A (NM_001135040.3); short protein forms R141Q, R148Q, R14Q, R125Q, R131Q.
Identifiers: ClinVar variation 854179 (VCV000854179.11), dbSNP rs1359633006, ClinGen allele CA347369534.

ClinVar aggregate classification (germline): Uncertain significance. Review status: criteria provided, multiple submitters, no conflicts (2 of 4 stars). 2 submissions from 2 submitters: Uncertain significance (2). Last evaluated 2025-10-15.

Conditions:
Amyotrophic lateral sclerosis type 1 (ALS1). Also called: AMYOTROPHIC LATERAL SCLEROSIS 1, FAMILIAL. Identifiers: Orphanet 803, MedGen C1862939, MONDO:0007103, OMIM 105400.
Perry syndrome. Also called: PARKINSONISM WITH ALVEOLAR HYPOVENTILATION AND MENTAL DEPRESSION. Identifiers: Orphanet 178509, MedGen C1868594, MONDO:0008201, OMIM 168605.
Neuronopathy, distal hereditary motor, type 7B. Also called: Distal Hereditary Motor Neuronopathy Type 7B (dHMN7B); NEURONOPATHY, DISTAL HEREDITARY MOTOR, AUTOSOMAL DOMINANT 14; NEURONOPATHY, DISTAL HEREDITARY MOTOR, HARDING TYPE VIIB; NEUROPATHY, DISTAL HEREDITARY MOTOR, HARDING TYPE VIIB; NEUROPATHY, DISTAL HEREDITARY MOTOR, WITH VOCAL CORD PARALYSIS, HARDING TYPE VIIB; HMN VIIB. Identifiers: Orphanet 139589, MedGen C1843315, MONDO:0011879, OMIM 607641.
Inborn genetic diseases. Identifiers: MedGen C0950123, MeSH D030342.

Allele frequency attached by ClinVar (database versions not stated): gnomAD exomes below 0.00001 and 0.00001; TOPMed 0.00001.
gnomAD v4.1: 7 of 1,613,912 alleles (0.00043%); highest among the groups gnomAD compares: African/African-American, 0.0027%; no homozygotes.

Submissions (2):

Ambry Genetics
Classification: Uncertain significance for Inborn genetic diseases. Last evaluated: 2025-10-15. Review status: criteria provided, single submitter. Criteria: Ambry Variant Classification Scheme 2023. Collection method: clinical testing. Allele origin: germline.

Labcorp Genetics (formerly Invitae), Labcorp
Classification: Uncertain significance for Amyotrophic lateral sclerosis type 1; Neuronopathy, distal hereditary motor, type 7B; Perry syndrome. Last evaluated: 2023-06-17. Review status: criteria provided, single submitter. Criteria: Invitae Variant Classification Sherloc (09022015). Collection method: clinical testing. Allele origin: germline.
Comment: This sequence change replaces arginine, which is basic and polar, with glutamine, which is neutral and polar, at codon 148 of the DCTN1 protein (p.Arg148Gln). This variant is present in population databases (no rsID available, gnomAD 0.002%). This variant has not been reported in the literature in individuals affected with DCTN1-related conditions. ClinVar contains an entry for this variant (Variation ID: 854179). An algorithm developed to predict the effect of missense changes on protein structure and function (PolyPhen-2) suggests that this variant is likely to be tolerated. In summary, the available evidence is currently insufficient to determine the role of this variant in disease. Therefore, it has been classified as a Variant of Uncertain Significance.